The following is an entry in ClinVar:

NM_000116.5(TAFAZZIN):c.227C>G (p.Pro76Arg)

Gene: TAFAZZIN (tafazzin, phospholipid-lysophospholipid transacylase; plus strand). Cytogenetic location: Xq28.
Variant type: single nucleotide variant.
Coding change: c.227C>G on transcript NM_000116.5 (MANE Select); coding-DNA position 227, C replaced by G.
Protein change: p.Pro76Arg; replaces proline 76 with arginine.
Molecular consequence: missense variant. On other transcripts: non-coding transcript variant (1).
Genome position (GRCh38, 1-based): chrX:154,412,203, C>G. VCF-style: chrX-154412203-C-G. GRCh37 (hg19) VCF-style: chrX-153640540-C-G.
Other names: c.281C>G, p.Pro94Arg (NM_001303465.2); c.227C>G, p.Pro76Arg (NM_181311.4, NM_181312.4, NM_181313.4); short protein forms P76R, P94R.
Identifiers: ClinVar variation 237009 (VCV000237009.3), dbSNP rs878853654, ClinGen allele CA10583938.

ClinVar aggregate classification (germline): Likely pathogenic (1 of 4 stars; one submission).

Conditions:
3-Methylglutaconic aciduria type 2 (BTHS). Also called: CARDIOSKELETAL MYOPATHY WITH NEUTROPENIA AND ABNORMAL MITOCHONDRIA; Barth syndrome. Identifiers: Orphanet 111, MedGen C0574083, MONDO:0010543, OMIM 302060.

Submission:

Labcorp Genetics (formerly Invitae), Labcorp
Classification: Likely pathogenic for 3-Methylglutaconic aciduria type 2. Last evaluated: 2016-02-10. Review status: criteria provided, single submitter. Criteria: Invitae Variant Classification Sherloc (09022015). Collection method: clinical testing. Allele origin: germline.
Comment: Algorithms developed to predict the effect of missense changes on protein structure and function (SIFT, PolyPhen-2, Align-GVGD) all suggest that this variant is likely to be disruptive, but these predictions have not been confirmed by published functional studies. This variant is not present in population databases (ExAC no frequency) and has not been reported in the literature in individuals with a TAZ-related disease. Family studies indicate this missense variant likely was not inherited from either parent (i.e. occurred de novo) in an individual with disease (Invitae database). This sequence change replaces proline with arginine at codon 76 of the TAZ protein (p.Pro76Arg). The proline residue is highly conserved and there is a moderate physicochemical difference between proline and arginine. In conclusion, this variant is absent from population databases, is predicted to be deleterious, and was shown to have occurred de novo. For these reasons, this variant has a been classified as Likely Pathogenic.